The following is an entry in ClinVar:

NM_021830.5(TWNK):c.1387C>G (p.Arg463Gly)

Gene: TWNK (twinkle mtDNA helicase; plus strand). Cytogenetic location: 10q24.31.
Variant type: single nucleotide variant.
Coding change: c.1387C>G on transcript NM_021830.5 (MANE Select); coding-DNA position 1387, C replaced by G.
Protein change: p.Arg463Gly; replaces arginine 463 with glycine.
Molecular consequence: missense variant. On other transcripts: non-coding transcript variant (5).
Genome position (GRCh38, 1-based): chr10:100,989,787, C>G. VCF-style: chr10-100989787-C-G. GRCh37 (hg19) VCF-style: chr10-102749544-C-G.
Other names: c.1387C>G (NM_021830.4); c.1387C>G, p.Arg463Gly (NM_001163812.2); c.25C>G, p.Arg9Gly (NM_001163813.2, NM_001163814.2, NM_001368275.1); short protein forms R463G, R9G.
Identifiers: ClinVar variation 2896035 (VCV002896035.6), dbSNP rs386834146, ClinGen allele CA378210773.

ClinVar aggregate classification (germline): Uncertain significance. Review status: criteria provided, multiple submitters, no conflicts (2 of 4 stars). 3 submissions from 3 submitters: Uncertain significance (2). 1 of the submissions does not count toward it. Last evaluated 2025-11-08.

Conditions:
TWNK-related disorder. Also called: TWNK-related condition.

gnomAD v4.1: 3 of 1,614,062 alleles (0.00019%); highest among the groups gnomAD compares: Admixed American, 0.0033%; no homozygotes.

Submissions (3):

Labcorp Genetics (formerly Invitae), Labcorp
Classification: Uncertain significance. Last evaluated: 2025-11-08. Review status: criteria provided, single submitter. Criteria: Invitae Variant Classification Sherloc (09022015). Collection method: clinical testing. Allele origin: germline.
Comment: This sequence change replaces arginine, which is basic and polar, with glycine, which is neutral and non-polar, at codon 463 of the TWNK protein (p.Arg463Gly). This variant is present in population databases (no rsID available, gnomAD 0.1%). This variant has not been reported in the literature in individuals affected with TWNK-related conditions. ClinVar contains an entry for this variant (Variation ID: 2896035). Invitae Evidence Modeling of protein sequence and biophysical properties (such as structural, functional, and spatial information, amino acid conservation, physicochemical variation, residue mobility, and thermodynamic stability) indicates that this missense variant is expected to disrupt TWNK protein function with a positive predictive value of 95%. In summary, the available evidence is currently insufficient to determine the role of this variant in disease. Therefore, it has been classified as a Variant of Uncertain Significance.

Blueprint Genetics
Classification: Uncertain significance. Last evaluated: 2023-04-14. Review status: criteria provided, single submitter. Criteria: ACMG Guidelines, 2015. Collection method: clinical testing. Allele origin: germline.

PreventionGenetics, part of Exact Sciences
Classification: Uncertain significance for TWNK-related condition. Last evaluated: 2024-02-07. Review status: no assertion criteria provided. Collection method: clinical testing. Allele origin: germline. Not counted in ClinVar's aggregate classification.
Comment: The TWNK c.1387C>G variant is predicted to result in the amino acid substitution p.Arg463Gly. To our knowledge, this variant has not been reported in the literature. This variant is reported in 0.12% of alleles in individuals of Latino descent in gnomAD. Although we suspect that this variant may be benign, at this time, the clinical significance of this variant is uncertain due to the absence of conclusive functional and genetic evidence.